The following is an entry in ClinVar:

ClinVar aggregate classification (germline): Uncertain significance (1 of 4 stars; one submission).

Conditions:
Peroxisome biogenesis disorder 3A (Zellweger). Also called: PEROXISOMAL BIOGENESIS DISORDER 3A (ZELLWEGER); Peroxisome biogenesis disorder 3A. Identifiers: Orphanet 912, MedGen C3553929, MONDO:0013927, OMIM 614859.

Allele frequency attached by ClinVar (database versions not stated): gnomAD exomes below 0.00001; TOPMed below 0.00001; gnomAD 0.00001.
gnomAD v4.1: 2 of 1,613,794 alleles (0.00012%); highest among the groups gnomAD compares: African/African-American, 0.0013%; no homozygotes.

Submission:

Labcorp Genetics (formerly Invitae), Labcorp
Classification: Uncertain significance for Peroxisome biogenesis disorder 3A (Zellweger). Last evaluated: 2022-08-23. Review status: criteria provided, single submitter. Criteria: Invitae Variant Classification Sherloc (09022015). Collection method: clinical testing. Allele origin: germline.
Comment: This sequence change replaces proline, which is neutral and non-polar, with arginine, which is basic and polar, at codon 224 of the PEX12 protein (p.Pro224Arg). This variant is present in population databases (no rsID available, gnomAD 0.01%). This variant has not been reported in the literature in individuals affected with PEX12-related conditions. ClinVar contains an entry for this variant (Variation ID: 1495172). Algorithms developed to predict the effect of missense changes on protein structure and function (SIFT, PolyPhen-2, Align-GVGD) all suggest that this variant is likely to be tolerated. In summary, the available evidence is currently insufficient to determine the role of this variant in disease. Therefore, it has been classified as a Variant of Uncertain Significance.

NM_000286.3(PEX12):c.671C>G (p.Pro224Arg)

Gene: PEX12 (peroxisomal biogenesis factor 12; minus strand). Cytogenetic location: 17q12.
Variant type: single nucleotide variant.
Coding change: c.671C>G on transcript NM_000286.3 (MANE Select); coding-DNA position 671, C replaced by G.
Protein change: p.Pro224Arg; replaces proline 224 with arginine.
Molecular consequence: missense variant.
Genome position (GRCh38, 1-based): chr17:35,577,047, G>C on the plus strand (C>G on the coding strand, the complement: PEX12 is on the minus strand). VCF-style: chr17-35577047-G-C. GRCh37 (hg19) VCF-style: chr17-33904066-G-C.
Other names: short protein forms P224R.
Identifiers: ClinVar variation 1495172 (VCV001495172.5), dbSNP rs984673169, ClinGen allele CA290069183.